The following is an entry in ClinVar:

NM_021628.3(ALOXE3):c.1562+4_1562+5insCACCTCT

Gene: ALOXE3 (arachidonate lipoxygenase 3; minus strand). Cytogenetic location: 17p13.1.
Variant type: Microsatellite.
Coding change: c.1562+4_1562+5insCACCTCT on transcript NM_021628.3 (MANE Select); bases 4 to 5 of the intron after coding-DNA position 1562, CACCTCT inserted.
Molecular consequence: intron variant.
Genome position: GRCh38 VCF-style: chr17-8109169-C-CGAGAGGT. GRCh37 (hg19) VCF-style: chr17-8012487-C-CGAGAGGT.
Other names: c.1958+4_1958+5insCACCTCT (NM_001165960.1); c.1559+4_1559+5insCACCTCT (NM_001369446.1).
Identifiers: ClinVar variation 1699385 (VCV001699385.3), dbSNP rs2151837897.
Genomic context (GRCh38, chr17:8,109,169, plus strand): 5'-GGGACCACAATGTCCCAGGCCAGGAGACCCTGGTGGGACTGCTGGTCCCGCCCCGCACCT[C>CGAGAGGT]GCACCTCTCAATGGCCGCCCAGATCTTCAGGCCGTCGTCTCGGTAGTGGTAGTTGGGGAT-3'

ClinVar aggregate classification (germline): Uncertain significance (1 of 4 stars; one submission).

Conditions:
Autosomal recessive congenital ichthyosis 3 (ARCI3). Also called: ICHTHYOSIS, LAMELLAR, 5. Identifiers: MedGen C3539888, MONDO:0011680, OMIM 606545.

Submission:

Victorian Clinical Genetics Services, Murdoch Childrens Research Institute
Classification: Uncertain significance for Autosomal recessive congenital ichthyosis 3. Last evaluated: 2020-05-25. Review status: criteria provided, single submitter. Criteria: ACMG Guidelines, 2015. Collection method: clinical testing. Allele origin: germline. Inheritance: Autosomal recessive inheritance.
Comment: A heterozygous splice site variant was identified, NM_021628.2(ALOXE3):c.1559_1562+3dup in intron 12 of 15 of the ALOXE3 gene. This duplication is predicted to cause aberrant splicing in the ALOXE3 gene, potentially affecting protein function. The duplicated region has very low conservation (Phylop UCSC), however in silico software tools predict a potential impact on splicing (NetGene2, Fruit fly, Human Splicing Finder). This variant is present in the gnomAD population database at a frequency of 0.0518% (146 heterozygotes, 0 homozygotes) and it has not been previously observed in clinical cases. Based on information available at the time of curation, this variant has been classified as a VUS.